The following is an entry in ClinVar:

ClinVar aggregate classification (germline): Conflicting classifications of pathogenicity. Review status: criteria provided, conflicting classifications (1 of 4 stars). 2 submissions from 2 submitters: Likely pathogenic (1); Uncertain significance (1). Last evaluated 2026-06-03.

Conditions:
Pheochromocytoma. Also called: MAX-Related Hereditary Paraganglioma-Pheochromocytoma Syndrome. Identifiers: Orphanet 29072, MedGen C0031511, MONDO:0008233, OMIM 171300, HP:0002666.
Carney-Stratakis syndrome. Also called: PARAGANGLIOMA AND GASTROINTESTINAL STROMAL TUMOR. Identifiers: Orphanet 97286, MedGen C1847319, MONDO:0011740, OMIM 606864.
Cowden syndrome 3 (CWS3). Identifiers: Orphanet 201, MedGen CN166604, MONDO:0014045.
Paragangliomas with sensorineural hearing loss. Identifiers: MedGen C1868633.
Hereditary cancer-predisposing syndrome. Also called: Neoplastic Syndromes, Hereditary; Tumor predisposition; Hereditary Cancer Syndrome; Hereditary neoplastic syndrome. Identifiers: Orphanet 140162, MedGen C0027672, MeSH D009386, MONDO:0015356.

Submissions (2):

Ambry Genetics
Classification: Likely pathogenic for Hereditary cancer-predisposing syndrome. Last evaluated: 2026-06-03. Review status: criteria provided, single submitter. Criteria: Ambry Variant Classification Scheme 2023. Collection method: clinical testing. Allele origin: germline.
Comment: The p.G148D variant (also known as c.443G>A), located in coding exon 4 of the SDHD gene, results from a G to A substitution at nucleotide position 443. The glycine at codon 148 is replaced by aspartic acid, an amino acid with similar properties. This alteration has been identified in an individual diagnosed with SDHD-related hereditary pheochromocytoma-paraganglioma (Timmers HJ et al. Clin Endocrinol (Oxf), 2008 Apr;68:561-6). Other variant(s) at the same codon, p.G148V (c.443_444delGCinsTT), have been identified in individual(s) with features consistent with SDHD-related hereditary pheochromocytoma-paraganglioma (Ambry internal data). Based on internal structural analysis, this variant is anticipated to result in a significant decrease in structural stability (Ambry internal data). This amino acid position is highly conserved in available vertebrate species. In addition, this alteration is predicted to be deleterious by in silico analysis. Based on the majority of available evidence to date, this variant is likely to be pathogenic.

Labcorp Genetics (formerly Invitae), Labcorp
Classification: Uncertain significance for Carney-Stratakis syndrome; Paragangliomas with sensorineural hearing loss; Pheochromocytoma; Cowden syndrome 3. Last evaluated: 2023-10-04. Review status: criteria provided, single submitter. Criteria: Invitae Variant Classification Sherloc (09022015). Collection method: clinical testing. Allele origin: germline.
Comment: This sequence change replaces glycine, which is neutral and non-polar, with aspartic acid, which is acidic and polar, at codon 148 of the SDHD protein (p.Gly148Asp). This variant is not present in population databases (gnomAD no frequency). This missense change has been observed in individual(s) with paraganglioma (PMID: 17973943). Advanced modeling of protein sequence and biophysical properties (such as structural, functional, and spatial information, amino acid conservation, physicochemical variation, residue mobility, and thermodynamic stability) has been performed at Invitae for this missense variant, however the output from this modeling did not meet the statistical confidence thresholds required to predict the impact of this variant on SDHD protein function. Experimental studies are conflicting or provide insufficient evidence to determine the effect of this variant on SDHD function (PMID: 25328978). In summary, the available evidence is currently insufficient to determine the role of this variant in disease. Therefore, it has been classified as a Variant of Uncertain Significance.

Literature cited by the submitters: PubMed 17973943 (cited by Ambry Genetics and Labcorp Genetics (formerly Invitae), Labcorp); PubMed 25328978 (cited by Labcorp Genetics (formerly Invitae), Labcorp).

NM_003002.4(SDHD):c.443G>A (p.Gly148Asp)

Gene: SDHD (succinate dehydrogenase complex subunit D; plus strand). Cytogenetic location: 11q23.1.
Variant type: single nucleotide variant.
Coding change: c.443G>A on transcript NM_003002.4 (MANE Select); coding-DNA position 443, G replaced by A.
Protein change: p.Gly148Asp; replaces glycine 148 with aspartic acid.
Molecular consequence: missense variant. On other transcripts: 3 prime UTR variant (2), non-coding transcript variant (1).
Genome position (GRCh38, 1-based): chr11:112,094,933, G>A. VCF-style: chr11-112094933-G-A. GRCh37 (hg19) VCF-style: chr11-111965657-G-A.
Other names: c.*40G>A (NM_001276503.2); c.326G>A, p.Gly109Asp (NM_001276504.2); c.*141G>A (NM_001276506.2); short protein forms G109D, G148D.
Identifiers: ClinVar variation 2587186 (VCV002587186.6), dbSNP rs1555187633, ClinGen allele CA382619454.